The following is an entry in ClinVar:

ClinVar aggregate classification (germline): Uncertain significance. Review status: criteria provided, multiple submitters, no conflicts (2 of 4 stars). 5 submissions from 5 submitters: Uncertain significance (5). Last evaluated 2025-09-19.

Conditions:
Inborn genetic diseases. Identifiers: MedGen C0950123, MeSH D030342.
Diffuse cerebral and cerebellar atrophy - intractable seizures - progressive microcephaly syndrome. Also called: Microcephaly, progressive, with seizures and cerebral and cerebellar atrophy. Identifiers: Orphanet 404437, MedGen C4014239, MONDO:0014335, OMIM 615760.

Allele frequency attached by ClinVar (database versions not stated): ESP Exome Variant Server 0.00023; ExAC 0.00001; gnomAD exomes 0.00001; TOPMed 0.00003; gnomAD 0.00001.
gnomAD v4.1: 84 of 1,613,946 alleles (0.0052%); highest among the groups gnomAD compares: Non-Finnish European, 0.0069%; no homozygotes.

Submissions (5):

Mayo Clinic Laboratories, Mayo Clinic
Classification: Uncertain significance. Last evaluated: 2025-09-19. Review status: criteria provided, single submitter. Criteria: ACMG Guidelines, 2015. Collection method: clinical testing. Allele origin: germline. Observed: 1 variant allele.
Comment: PM2_supporting

Ambry Genetics
Classification: Uncertain significance for Inborn genetic diseases. Last evaluated: 2025-02-28. Review status: criteria provided, single submitter. Criteria: Ambry Variant Classification Scheme 2023. Collection method: clinical testing. Allele origin: germline.

GeneDx
Classification: Uncertain significance. Last evaluated: 2024-12-27. Review status: criteria provided, single submitter. Criteria: GeneDx Variant Classification Process June 2021. Collection method: clinical testing. Allele origin: germline. Affected: yes.
Comment: Not observed at significant frequency in large population cohorts (gnomAD); In silico analysis supports that this missense variant has a deleterious effect on protein structure/function; Has not been previously published as pathogenic or benign to our knowledge; This variant is associated with the following publications: (PMID: 26740555, 28719003, 25471517)

Revvity Omics, Revvity
Classification: Uncertain significance for Diffuse cerebral and cerebellar atrophy - intractable seizures - progressive microcephaly syndrome. Last evaluated: 2023-02-24. Review status: criteria provided, single submitter. Criteria: ACMG Guidelines, 2015. Collection method: clinical testing. Allele origin: germline.

Labcorp Genetics (formerly Invitae), Labcorp
Classification: Uncertain significance for Diffuse cerebral and cerebellar atrophy - intractable seizures - progressive microcephaly syndrome. Last evaluated: 2022-08-23. Review status: criteria provided, single submitter. Criteria: Invitae Variant Classification Sherloc (09022015). Collection method: clinical testing. Allele origin: germline.
Comment: This sequence change replaces phenylalanine, which is neutral and non-polar, with valine, which is neutral and non-polar, at codon 608 of the QARS protein (p.Phe608Val). This variant is present in population databases (rs145548376, gnomAD 0.003%). This variant has not been reported in the literature in individuals affected with QARS-related conditions. ClinVar contains an entry for this variant (Variation ID: 949381). Algorithms developed to predict the effect of missense changes on protein structure and function are either unavailable or do not agree on the potential impact of this missense change (SIFT: "Tolerated"; PolyPhen-2: "Not Available"; Align-GVGD: "Class C0"). In summary, the available evidence is currently insufficient to determine the role of this variant in disease. Therefore, it has been classified as a Variant of Uncertain Significance.

NM_005051.3(QARS1):c.1822T>G (p.Phe608Val)

Gene: QARS1 (glutaminyl-tRNA synthetase 1; minus strand). Cytogenetic location: 3p21.31.
Variant type: single nucleotide variant.
Coding change: c.1822T>G on transcript NM_005051.3 (MANE Select); coding-DNA position 1822, T replaced by G.
Protein change: p.Phe608Val; replaces phenylalanine 608 with valine.
Molecular consequence: missense variant. On other transcripts: non-coding transcript variant (1).
Genome position (GRCh38, 1-based): chr3:49,098,926, A>C on the plus strand (T>G on the coding strand, the complement: QARS1 is on the minus strand). VCF-style: chr3-49098926-A-C. GRCh37 (hg19) VCF-style: chr3-49136359-A-C.
Other names: p.Phe608Val; c.1789T>G, p.Phe597Val (NM_001272073.2); c.1822T>G (NM_005051.1); short protein forms F597V, F608V.
Identifiers: ClinVar variation 949381 (VCV000949381.8), dbSNP rs145548376, ClinGen allele CA2391631.